The following is an entry in ClinVar:

ClinVar aggregate classification (germline): Uncertain significance (1 of 4 stars; one submission).

Submission:

Labcorp Genetics (formerly Invitae), Labcorp
Classification: Uncertain significance. Last evaluated: 2023-10-03. Review status: criteria provided, single submitter. Criteria: Invitae Variant Classification Sherloc (09022015). Collection method: clinical testing. Allele origin: germline.
Comment: This sequence change replaces glutamic acid, which is acidic and polar, with lysine, which is basic and polar, at codon 694 of the MCM2 protein (p.Glu694Lys). This variant is not present in population databases (gnomAD no frequency). This variant has not been reported in the literature in individuals affected with MCM2-related conditions. ClinVar contains an entry for this variant (Variation ID: 1521848). An algorithm developed to predict the effect of missense changes on protein structure and function (PolyPhen-2) suggests that this variant is likely to be tolerated. In summary, the available evidence is currently insufficient to determine the role of this variant in disease. Therefore, it has been classified as a Variant of Uncertain Significance.

NM_004526.4(MCM2):c.2080G>A (p.Glu694Lys)

Gene: MCM2 (minichromosome maintenance complex component 2; plus strand). Cytogenetic location: 3q21.3.
Variant type: single nucleotide variant.
Coding change: c.2080G>A on transcript NM_004526.4 (MANE Select); coding-DNA position 2080, G replaced by A.
Protein change: p.Glu694Lys; replaces glutamic acid 694 with lysine.
Molecular consequence: missense variant. On other transcripts: non-coding transcript variant (1).
Genome position (GRCh38, 1-based): chr3:127,619,093, G>A. VCF-style: chr3-127619093-G-A. GRCh37 (hg19) VCF-style: chr3-127337936-G-A.
Other names: short protein forms E694K.
Identifiers: ClinVar variation 1521848 (VCV001521848.6), dbSNP rs2107695992, ClinGen allele CA354393337.